The following is an entry in ClinVar:

ClinVar aggregate classification (germline): Benign/Likely benign. Review status: criteria provided, multiple submitters, no conflicts (2 of 4 stars). 11 submissions from 11 submitters: Benign (7); Likely benign (1). 3 of the submissions do not count toward it. Last evaluated 2026-02-04.

Conditions:
ALPK3-related disorder. Also called: ALPK3-related condition.
Cardiovascular phenotype. Identifiers: MedGen CN230736.

Allele frequency attached by ClinVar (database versions not stated): 1000 Genomes Project 30x 0.14881; 1000 Genomes Project 0.15036; TOPMed 0.19136; ESP Exome Variant Server 0.19955; gnomAD 0.20037 and 0.20039; ExAC 0.22419; gnomAD exomes 0.22943 and 0.25977.
gnomAD v4.1: 409,309 of 1,613,838 alleles (25%); highest among the groups gnomAD compares: Middle Eastern, 28%; 55,027 homozygotes.

Submissions (11):

Labcorp Genetics (formerly Invitae), Labcorp
Classification: Benign. Last evaluated: 2026-02-04. Review status: criteria provided, single submitter. Criteria: Invitae Variant Classification Sherloc (09022015). Collection method: clinical testing. Allele origin: germline.

Molecular Diagnostic Laboratory for Inherited Cardiovascular Disease, Montreal Heart Institute
Classification: Benign. Last evaluated: 2025-04-09. Review status: criteria provided, single submitter. Criteria: ACMG Guidelines, 2015. Collection method: clinical testing. Allele origin: germline. Affected: no.

Blueprint Genetics
Classification: Benign. Last evaluated: 2024-11-27. Review status: criteria provided, single submitter. Criteria: ACMG Guidelines, 2015. Collection method: clinical testing. Allele origin: germline.

Women's Health and Genetics/Laboratory Corporation of America, LabCorp
Classification: Likely benign. Last evaluated: 2023-04-04. Review status: criteria provided, single submitter. Criteria: LabCorp Variant Classification Summary - May 2015. Collection method: clinical testing. Allele origin: germline.

Mayo Clinic Laboratories, Mayo Clinic
Classification: Benign. Last evaluated: 2022-04-26. Review status: criteria provided, single submitter. Criteria: ACMG Guidelines, 2015. Collection method: clinical testing. Allele origin: germline. Observed: 372 variant alleles.

Ambry Genetics
Classification: Benign for Cardiovascular phenotype. Last evaluated: 2018-12-20. Review status: criteria provided, single submitter. Criteria: Ambry Variant Classification Scheme 2023. Collection method: clinical testing. Allele origin: germline.

GeneDx
Classification: Benign. Last evaluated: 2016-09-28. Review status: criteria provided, single submitter. Criteria: GeneDx Variant Classification (06012015). Collection method: clinical testing. Allele origin: germline. Affected: yes.
Comment: This variant is considered likely benign or benign based on one or more of the following criteria: it is a conservative change, it occurs at a poorly conserved position in the protein, it is predicted to be benign by multiple in silico algorithms, and/or has population frequency not consistent with disease.

Breakthrough Genomics
Classification: Benign. Review status: criteria provided, single submitter. Criteria: ACMG Guidelines, 2015. Collection method: not provided. Allele origin: germline. Inheritance: Autosomal recessive inheritance. Affected: yes.

PreventionGenetics, part of Exact Sciences
Classification: Benign for ALPK3-related condition. Last evaluated: 2019-09-18. Review status: no assertion criteria provided. Collection method: clinical testing. Allele origin: germline. Not counted in ClinVar's aggregate classification.
Comment: This variant is classified as benign based on ACMG/AMP sequence variant interpretation guidelines (Richards et al. 2015 PMID: 25741868, with internal and published modifications).

Clinical Genetics DNA and cytogenetics Diagnostics Lab, Erasmus MC, Erasmus Medical Center
Classification: Benign. Review status: no assertion criteria provided. Collection method: clinical testing. Allele origin: germline. Affected: yes. Study: VKGL Data-share Consensus. Not counted in ClinVar's aggregate classification.

Clinical Genetics, Academic Medical Center
Classification: Benign. Review status: no assertion criteria provided. Collection method: clinical testing. Allele origin: germline. Affected: yes. Study: VKGL Data-share Consensus. Not counted in ClinVar's aggregate classification.

NM_020778.5(ALPK3):c.4259T>C (p.Leu1420Pro)

Gene: ALPK3 (alpha kinase 3; plus strand). Cytogenetic location: 15q25.3.
Variant type: single nucleotide variant.
Coding change: c.4259T>C on transcript NM_020778.5 (MANE Select); coding-DNA position 4259, T replaced by C.
Protein change: p.Leu1420Pro; replaces leucine 1420 with proline.
Molecular consequence: missense variant.
Genome position (GRCh38, 1-based): chr15:84,862,764, T>C. VCF-style: chr15-84862764-T-C. GRCh37 (hg19) VCF-style: chr15-85405995-T-C.
Other names: p.Leu1622Pro; short protein forms L1622P, L1420P.
Identifiers: ClinVar variation 384691 (VCV000384691.20), dbSNP rs187316, ClinGen allele CA7709908.